The following is an entry in ClinVar:

ClinVar aggregate classification (germline): Pathogenic (1 of 4 stars; one submission).

Submission:

Labcorp Genetics (formerly Invitae), Labcorp
Classification: Pathogenic. Last evaluated: 2023-05-19. Review status: criteria provided, single submitter. Criteria: Invitae Variant Classification Sherloc (09022015). Collection method: clinical testing. Allele origin: germline.
Comment: This variant has not been reported in the literature in individuals affected with NTHL1-related conditions. This sequence change creates a premature translational stop signal (p.Val55Glyfs*48) in the NTHL1 gene. It is expected to result in an absent or disrupted protein product. Loss-of-function variants in NTHL1 are known to be pathogenic (PMID: 25938944, 26559593). This variant is not present in population databases (gnomAD no frequency). For these reasons, this variant has been classified as Pathogenic.

Literature cited by the submitters: PubMed 25938944; PubMed 26559593.

NM_002528.7(NTHL1):c.140del (p.Val47fs)

Gene: NTHL1 (nth like DNA glycosylase 1; minus strand). Cytogenetic location: 16p13.3.
Variant type: Deletion.
Coding change: c.140del on transcript NM_002528.7 (MANE Select); coding-DNA position 140, one base deleted (T; older notation c.140delT).
Protein change: p.Val47fs; shifts the reading frame from valine 47.
Molecular consequence: frameshift variant. On other transcripts: 5 prime UTR variant (1).
Genome position (GRCh38, 1-based): chr16:2,046,342, A deleted on the plus strand (T on the coding strand, the reverse complement: NTHL1 is on the minus strand). VCF-style (leftmost placement, unchanged base first): chr16-2046341-CA-C. GRCh37 (hg19) VCF-style: chr16-2096342-CA-C.
Other names: c.140del, p.Val47fs (NM_001318193.2); c.-39del (NM_001318194.2); short protein forms V47fs.
Identifiers: ClinVar variation 2865708 (VCV002865708.3), dbSNP rs2548321541, ClinGen allele CA2739269874.